The following is an entry in ClinVar:

NM_001357.5(DHX9):c.861A>G (p.Gln287=)

Gene: DHX9 (DExH-box helicase 9; plus strand). Cytogenetic location: 1q25.3.
Variant type: single nucleotide variant.
Coding change: c.861A>G on transcript NM_001357.5 (MANE Select); coding-DNA position 861, A replaced by G.
Protein change: p.Gln287=; no amino-acid change (glutamine 287 retained).
Molecular consequence: synonymous variant. On other transcripts: non-coding transcript variant (1).
Genome position (GRCh38, 1-based): chr1:182,858,601, A>G. VCF-style: chr1-182858601-A-G. GRCh37 (hg19) VCF-style: chr1-182827736-A-G.
Identifiers: ClinVar variation 4822275 (VCV004822275.4).

ClinVar aggregate classification (germline): Likely benign (1 of 4 stars; one submission).

gnomAD v4.1: 4 of 1,611,686 alleles (0.00025%); no homozygotes.

Submission:

CeGaT Center for Human Genetics Tuebingen
Classification: Likely benign. Last evaluated: 2026-02-01. Review status: criteria provided, single submitter. Criteria: CeGaT Center For Human Genetics Tuebingen Variant Classification Criteria Version 2. Collection method: clinical testing. Allele origin: germline. Affected: yes. Observed: 1 variant allele.
Comment: DHX9: BP4, BP7